The following is an entry in ClinVar:

ClinVar aggregate classification (germline): Pathogenic. Review status: reviewed by expert panel (3 of 4 stars). 2 submissions from 2 submitters: Pathogenic (1). 1 of the submissions does not count toward it. Last evaluated 2022-04-07.

Conditions:
Glanzmann thrombasthenia. Also called: PLATELET GLYCOPROTEIN IIb-IIIa DEFICIENCY; Glanzmann's thrombasthenia; BLEEDING DISORDER, PLATELET-TYPE, 2; THROMBASTHENIA OF GLANZMANN AND NAEGELI; Thrombasthenia. Identifiers: Orphanet 849, MedGen C0040015, MONDO:0100326.

Submissions (2):

ClinGen Platelet Disorders Variant Curation Expert Panel, ClinGen
Classification: Pathogenic for Glanzmann thrombasthenia. Last evaluated: 2022-04-07. Review status: reviewed by expert panel. Criteria: ClinGen Platelet ACMG Specifications v2-1. Collection method: curation. Allele origin: germline. Inheritance: Autosomal recessive inheritance.
Comment: The NM_000212.3:c.1192del (p.Ala398ProfsTer24) variant in ITGB3 is a frameshift variant predicted to cause a premature stop codon in biologically-relevant-exon 10/15 and to lead to nonsense mediated decay in a gene in which loss-of-function is an established disease mechanism (PVS1). This variant has been observed in compound homozygosity in one individual (Patient 3 in PMID: 28748566) in combination with ITGB3 variant c.1639T>G (p.Cys547Gly, trans phase not confirmed). However, this co-occurrence evidence contributed to the classification of c.1639T>G (p.Cys547Gly) and was not used to apply PM3 in the classification of this variant to prevent circularity. This patient (Patient 3 in PMID: 28748566) displayed mucocutaneous bleeding and impaired aggregation with all agonists except ristocetin, which is highly specific for Glanzmann thrombasthenia (PP4_Moderate). This variant is absent from gnomAD v2.1.1 (PM2_Supporting). In summary, this variant meets the criteria to be classified as pathogenic for autosomal recessive Glanzmann Thrombasthenia based on the ACMG/AMP criteria applied, as specified by the ClinGen PD VCEP: PVS1, PM2_Supporting, PP4_Moderate. (VCEP specifications version 2; date of approval 03/15/2022)

Center for Genomic Medicine, Rigshospitalet, Copenhagen University Hospital
Classification: Pathogenic. Last evaluated: 2025-03-04. Review status: criteria provided, single submitter. Criteria: ACMG Guidelines, 2015. Collection method: clinical testing. Allele origin: germline. Not counted in ClinVar's aggregate classification.

NM_000212.3(ITGB3):c.1192del (p.Ala398fs)

Gene: ITGB3 (integrin subunit beta 3; plus strand). Cytogenetic location: 17q21.32.
Variant type: Deletion.
Coding change: c.1192del on transcript NM_000212.3 (MANE Select); coding-DNA position 1192, one base deleted (G; older notation c.1192delG).
Protein change: p.Ala398fs; shifts the reading frame from alanine 398.
Molecular consequence: frameshift variant.
Genome position (GRCh38, 1-based): chr17:47,291,020, G deleted. VCF-style (leftmost placement, unchanged base first): chr17-47291019-TG-T. GRCh37 (hg19) VCF-style: chr17-45368385-TG-T.
Other names: NM_000212.3:c.1192del; c.1192delG (NM_000212.3); short protein forms A398fs.
Identifiers: ClinVar variation 1691481 (VCV001691481.4), dbSNP rs2143109249, ClinGen allele CA915940808.
Genomic context (GRCh38, chr17:47,291,019, plus strand): 5'-CCGTTCTAAAGTAGAGCTGGAAGTGCGTGACCTCCCTGAAGAGTTGTCTCTATCCTTCAA[TG>T]CCACCTGCCTCAACAATGAGGTCATCCCTGGCCTCAAGTCTTGTATGGGACTCAAGATTG-3'